The following is an entry in ClinVar:

ClinVar aggregate classification (germline): Uncertain significance (1 of 4 stars; one submission).

Allele frequency attached by ClinVar (database versions not stated): gnomAD exomes below 0.00001.
gnomAD v4.1: 2 of 1,614,096 alleles (0.00012%); highest among the groups gnomAD compares: Non-Finnish European, 0.000085%; no homozygotes.

Submission:

CeGaT Center for Human Genetics Tuebingen
Classification: Uncertain significance. Last evaluated: 2025-09-01. Review status: criteria provided, single submitter. Criteria: CeGaT Center For Human Genetics Tuebingen Variant Classification Criteria Version 2. Collection method: clinical testing. Allele origin: germline. Affected: yes. Observed: 2 variant alleles.
Comment: CUL3: PM2, PP2

NM_003590.5(CUL3):c.1549T>G (p.Ser517Ala)

Gene: CUL3 (cullin 3; minus strand). Cytogenetic location: 2q36.2.
Variant type: single nucleotide variant.
Coding change: c.1549T>G on transcript NM_003590.5 (MANE Select); coding-DNA position 1549, T replaced by G.
Protein change: p.Ser517Ala; replaces serine 517 with alanine.
Molecular consequence: missense variant.
Genome position (GRCh38, 1-based): chr2:224,500,424, A>C on the plus strand (T>G on the coding strand, the complement: CUL3 is on the minus strand). VCF-style: chr2-224500424-A-C. GRCh37 (hg19) VCF-style: chr2-225365141-A-C.
Other names: c.1351T>G, p.Ser451Ala (NM_001257197.2); c.1567T>G, p.Ser523Ala (NM_001257198.2); short protein forms S451A, S517A, S523A.
Identifiers: ClinVar variation 2672862 (VCV002672862.23), dbSNP rs1242829053, ClinGen allele CA350826013.